The following is an entry in ClinVar:

NM_000096.4(CP):c.2511dup (p.Gly838fs)

Gene: CP (ceruloplasmin; minus strand). Cytogenetic location: 3q24.
Variant type: Duplication.
Coding change: c.2511dup on transcript NM_000096.4 (MANE Select); coding-DNA position 2511, one base duplicated (T; older notation c.2511dupT).
Protein change: p.Gly838fs; shifts the reading frame from glycine 838.
Molecular consequence: frameshift variant. On other transcripts: non-coding transcript variant (1).
Genome position (GRCh38, 1-based): chr3:149,182,048, A duplicated on the plus strand (T on the coding strand, the reverse complement: CP is on the minus strand). VCF-style (leftmost placement, unchanged base first): chr3-149182047-C-CA. GRCh37 (hg19) VCF-style: chr3-148899834-C-CA.
Other names: c.2510insT; short protein forms G838fs.
Identifiers: ClinVar variation 42151 (VCV000042151.3), dbSNP rs386134151, ClinGen allele CA344612.

ClinVar aggregate classification (germline): Pathogenic (0 of 4 stars; one submission).

Conditions:
Deficiency of ferroxidase (ACEP). Also called: Deficiency of ceruloplasmin; Aceruloplasminemia; Ceruloplasmin deficiency; Familial apoceruloplasmin deficiency; Hereditary ceruloplasmin deficiency; NEURODEGENERATION WITH BRAIN IRON ACCUMULATION 10. Identifiers: Orphanet 48818, MedGen C0878682, MONDO:0011426, OMIM 604290, HP:0025498.

Submission:

GeneReviews
Classification: Pathogenic for Aceruloplasminemia. Last evaluated: 2013-04-18. Review status: no assertion criteria provided. Collection method: curation. Allele origin: unknown.
ClinVar note: Converted during submission from pathologic to Pathogenic.